The following is an entry in ClinVar:

NM_207037.2(TCF12):c.1016T>C (p.Leu339Pro)

Gene: TCF12 (transcription factor 12; plus strand). Cytogenetic location: 15q21.3.
Variant type: single nucleotide variant.
Coding change: c.1016T>C on transcript NM_207037.2 (MANE Select); coding-DNA position 1016, T replaced by C.
Protein change: p.Leu339Pro; replaces leucine 339 with proline.
Molecular consequence: missense variant.
Genome position (GRCh38, 1-based): chr15:57,234,088, T>C. VCF-style: chr15-57234088-T-C. GRCh37 (hg19) VCF-style: chr15-57526286-T-C.
Other names: c.506T>C, p.Leu169Pro (NM_001306219.3, NM_207040.2); c.308T>C, p.Leu103Pro (NM_001306220.3); c.1016T>C, p.Leu339Pro (NM_001322151.2, NM_001322152.2, NM_001322157.3 and 7 more transcripts); c.359T>C, p.Leu120Pro (NM_001322154.2); c.842T>C, p.Leu281Pro (NM_001322156.2, NM_001322158.2); c.1052T>C, p.Leu351Pro (NM_001322164.2); short protein forms L103P, L120P, L169P, L281P, L339P, L351P.
Identifiers: ClinVar variation 3360836 (VCV003360836.2).
Genomic context (GRCh38, chr15:57,234,088, plus strand): 5'-CTATGAAATATCCAGGAACCAGAGGGAATGCTGCTGGAAGCTCACAGACAGGTGATGCAC[T>C]TGGAAAGGCTTTGGCATCTGTGAGTATTGATTTTACACATTCTACTGAATGAATTTTACA-3'
Protein context (NP_996920.1, residues 329-349): AAGSSQTGDA[Leu339Pro]GKALASIYSP

ClinVar aggregate classification (germline): Uncertain significance (1 of 4 stars; one submission).

Submission:

GeneDx
Classification: Uncertain significance. Last evaluated: 2025-10-05. Review status: criteria provided, single submitter. Criteria: GeneDx Variant Classification Process June 2021. Collection method: clinical testing. Allele origin: germline.
Comment: Not observed at significant frequency in large population cohorts (gnomAD); In silico analysis supports that this missense variant has a deleterious effect on protein structure/function; Has not been previously published as pathogenic or benign to our knowledge